The following is an entry in ClinVar:

ClinVar aggregate classification (germline): Uncertain significance (1 of 4 stars; one submission).

Conditions:
Hereditary cancer-predisposing syndrome. Also called: Neoplastic Syndromes, Hereditary; Tumor predisposition; Hereditary Cancer Syndrome; Hereditary neoplastic syndrome. Identifiers: Orphanet 140162, MedGen C0027672, MeSH D009386, MONDO:0015356.

Submission:

Ambry Genetics
Classification: Uncertain significance for Hereditary cancer-predisposing syndrome. Last evaluated: 2025-12-16. Review status: criteria provided, single submitter. Criteria: Ambry Variant Classification Scheme 2023. Collection method: clinical testing. Allele origin: germline.
Comment: The p.E724D variant (also known as c.2172G>T), located in coding exon 13 of the DICER1 gene, results from a G to T substitution at nucleotide position 2172. The glutamic acid at codon 724 is replaced by aspartic acid, an amino acid with highly similar properties. This amino acid position is conserved. In addition, this alteration is predicted to be tolerated by in silico analysis. Based on the available evidence, the clinical significance of this variant remains unclear.

NM_177438.3(DICER1):c.2172G>T (p.Glu724Asp)

Gene: DICER1 (dicer 1, ribonuclease III; minus strand). Cytogenetic location: 14q32.13.
Variant type: single nucleotide variant.
Coding change: c.2172G>T on transcript NM_177438.3 (MANE Select); coding-DNA position 2172, G replaced by T.
Protein change: p.Glu724Asp; replaces glutamic acid 724 with aspartic acid.
Molecular consequence: missense variant. On other transcripts: non-coding transcript variant (6).
Genome position (GRCh38, 1-based): chr14:95,111,401, C>A on the plus strand (G>T on the coding strand, the complement: DICER1 is on the minus strand). VCF-style: chr14-95111401-C-A. GRCh37 (hg19) VCF-style: chr14-95577738-C-A.
Other names: c.2172G>T, p.Glu724Asp (NM_001395694.1, NM_001395695.1, NM_030621.4 and 12 more transcripts); c.1767G>T, p.Glu589Asp (NM_001395696.1, NM_001395698.1, NM_001395687.1 and 3 more transcripts); c.489G>T, p.Glu163Asp (NM_001395697.1); c.1890G>T, p.Glu630Asp (NM_001395686.1); c.1605G>T, p.Glu535Asp (NM_001395691.1); short protein forms E535D, E630D, E163D, E589D, E724D.
Identifiers: ClinVar variation 4843068 (VCV004843068.1).